The following is an entry in ClinVar:

ClinVar aggregate classification (germline): Benign (1 of 4 stars; one submission).

Conditions:
Retinitis pigmentosa (RP). Identifiers: Orphanet 791, MedGen C0035334, MeSH D012174, MONDO:0019200, OMIM 268000. Inheritance: Autosomal dominant, autosomal recessive and X linked inheritance.

Allele frequency attached by ClinVar (database versions not stated): gnomAD exomes 0.58065; 1000 Genomes Project 0.58407; 1000 Genomes Project 30x 0.59432; gnomAD 0.64137; TOPMed 0.64945.
gnomAD v4.1: 96,753 of 152,000 alleles (64%); highest among the groups gnomAD compares: African/African-American, 74%; 31,338 homozygotes.

Submission:

Illumina Laboratory Services, Illumina
Classification: Benign for Retinitis pigmentosa. Last evaluated: 2018-01-13. Review status: criteria provided, single submitter. Criteria: ICSL Variant Classification Criteria 13 December 2019. Collection method: clinical testing. Allele origin: germline.
Comment: This variant was observed in the ICSL laboratory as part of a predisposition screen in an ostensibly healthy population. It had not been previously curated by ICSL or reported in the Human Gene Mutation Database (HGMD: prior to June 1st, 2018), and was therefore a candidate for classification through an automated scoring system. Utilizing variant allele frequency, disease prevalence and penetrance estimates, and inheritance mode, an automated score was calculated to assess if this variant is too frequent to cause the disease. Based on the score and internal cut-off values, a variant classified as benign is not then subjected to further curation. The score for this variant resulted in a classification of benign for this disease.

NM_000440.3(PDE6A):c.*796A>G

Gene: PDE6A (phosphodiesterase 6A; minus strand). Cytogenetic location: 5q32.
Variant type: single nucleotide variant.
Coding change: c.*796A>G on transcript NM_000440.3 (MANE Select); 796 bases downstream of the stop codon, A replaced by G.
Molecular consequence: 3 prime UTR variant.
Genome position (GRCh38, 1-based): chr5:149,860,099, T>C on the plus strand (A>G on the coding strand, the complement: PDE6A is on the minus strand). VCF-style: chr5-149860099-T-C. GRCh37 (hg19) VCF-style: chr5-149239662-T-C.
Identifiers: ClinVar variation 351970 (VCV000351970.5), dbSNP rs4705387, ClinGen allele CA10620793.